The following is an entry in ClinVar:

NM_000136.3(FANCC):c.1244C>A (p.Ala415Glu)

Genes: FANCC (FA complementation group C; minus strand), AOPEP (aminopeptidase O (putative); plus strand). Cytogenetic location: 9q22.32.
Variant type: single nucleotide variant.
Coding change: c.1244C>A on transcript NM_000136.3 (MANE Select); coding-DNA position 1244, C replaced by A.
Protein change: p.Ala415Glu; replaces alanine 415 with glutamic acid.
Molecular consequence: missense variant.
Genome position (GRCh38, 1-based): chr9:95,111,548, G>T on the plus strand (C>A on the coding strand, the complement: FANCC is on the minus strand). VCF-style: chr9-95111548-G-T. GRCh37 (hg19) VCF-style: chr9-97873830-G-T.
Other names: c.1244C>A, p.Ala415Glu (NM_001243743.2, NM_001243744.2); short protein forms A415E.
Identifiers: ClinVar variation 963740 (VCV000963740.13), dbSNP rs550462055, ClinGen allele CA374107388.

ClinVar aggregate classification (germline): Conflicting classifications of pathogenicity. Review status: criteria provided, conflicting classifications (1 of 4 stars). 4 submissions from 4 submitters: Uncertain significance (1); Likely benign (1). 2 of the submissions do not count toward it. Last evaluated 2025-04-28.

Conditions:
Hereditary cancer-predisposing syndrome. Also called: Tumor predisposition; Hereditary neoplastic syndrome; Hereditary Cancer Syndrome; Neoplastic Syndromes, Hereditary. Identifiers: Orphanet 140162, MedGen C0027672, MeSH D009386, MONDO:0015356.
Fanconi anemia (FA). Also called: Fanconi's anemia. Identifiers: Orphanet 84, MedGen C0015625, MeSH D005199, MONDO:0019391.
Fanconi anemia complementation group C (FANCC). Also called: FANCC-Related Fanconi Anemia; FANCONI PANCYTOPENIA, TYPE 3; FACC; Fanconi anemia, group C. Identifiers: Orphanet 84, MedGen C3468041, MONDO:0009213, OMIM 227645.
Malignant tumor of breast. Also called: Malignant breast neoplasm; Cancer breast. Identifiers: MedGen C0006142, MONDO:0007254. Disease mechanism: loss of function.

gnomAD v4.1: 2 of 1,614,178 alleles (0.00012%); no homozygotes.

Submissions (4):

Labcorp Genetics (formerly Invitae), Labcorp
Classification: Uncertain significance for Fanconi anemia. Last evaluated: 2025-04-28. Review status: criteria provided, single submitter. Criteria: Invitae Variant Classification Sherloc (09022015). Collection method: clinical testing. Allele origin: germline.
Comment: This sequence change replaces alanine, which is neutral and non-polar, with glutamic acid, which is acidic and polar, at codon 415 of the FANCC protein (p.Ala415Glu). This variant is not present in population databases (gnomAD no frequency). This variant has not been reported in the literature in individuals affected with FANCC-related conditions. ClinVar contains an entry for this variant (Variation ID: 963740). Invitae Evidence Modeling of protein sequence and biophysical properties (such as structural, functional, and spatial information, amino acid conservation, physicochemical variation, residue mobility, and thermodynamic stability) indicates that this missense variant is not expected to disrupt FANCC protein function with a negative predictive value of 80%. In summary, the available evidence is currently insufficient to determine the role of this variant in disease. Therefore, it has been classified as a Variant of Uncertain Significance.

Ambry Genetics
Classification: Likely benign for Hereditary cancer-predisposing syndrome. Last evaluated: 2020-12-23. Review status: criteria provided, single submitter. Criteria: Ambry Variant Classification Scheme 2023. Collection method: clinical testing. Allele origin: germline.

Natera, Inc.
Classification: Uncertain significance for Fanconi anemia, group C. Last evaluated: 2020-09-04. Review status: no assertion criteria provided. Collection method: clinical testing. Allele origin: germline. Not counted in ClinVar's aggregate classification.

Department of Pathology and Laboratory Medicine, Sinai Health System
Classification: Uncertain significance for Malignant tumor of breast. Review status: no assertion criteria provided. Collection method: clinical testing. Allele origin: unknown. Affected: yes. Study: The Canadian Open Genetics Repository (COGR). Not counted in ClinVar's aggregate classification.
Comment: The FANCC p.Ala415Glu variant was not identified in the literature nor was it identified in the dbSNP, ClinVar, LOVD 3.0, Exome Aggregation Consortium (August 8th 2016), or the Genome Aggregation Database (Feb 27, 2017). The p.Ala415 residue is not conserved in mammals and computational analyses (PolyPhen-2, SIFT, AlignGVGD, BLOSUM, MutationTaster) do not suggest a high likelihood of impact to the protein; however, this information is not predictive enough to rule out pathogenicity. The variant occurs outside of the splicing consensus sequence and in silico or computational prediction software programs (SpliceSiteFinder, MaxEntScan, NNSPLICE, GeneSplicer) do not predict a difference in splicing. In summary, based on the above information the clinical significance of this variant cannot be determined with certainty at this time. This variant is classified as a variant of uncertain significance.